The following is an entry in ClinVar:

ClinVar aggregate classification (germline): Conflicting classifications of pathogenicity. Review status: criteria provided, conflicting classifications (1 of 4 stars). 2 submissions from 2 submitters: Uncertain significance (1); Likely benign (1). Last evaluated 2026-04-26.

Conditions:
Dyskeratosis congenita. Identifiers: Orphanet 1775, MedGen C0265965, MONDO:0015780.
Dyskeratosis congenita, autosomal dominant 2. Identifiers: MedGen C3151443, MONDO:0013521, OMIM 613989.
Idiopathic Pulmonary Fibrosis. Also called: Idiopathic fibrosing alveolitis, chronic form; idiopathic fibrosing alveolitis. Identifiers: Orphanet 2032, MedGen C1800706, MeSH D054990, MONDO:0800504.

Submissions (2):

Ambry Genetics
Classification: Likely benign for Dyskeratosis congenita. Last evaluated: 2026-04-26. Review status: criteria provided, single submitter. Criteria: Ambry Variant Classification Scheme 2023. Collection method: clinical testing. Allele origin: germline.

Labcorp Genetics (formerly Invitae), Labcorp
Classification: Uncertain significance for Dyskeratosis congenita, autosomal dominant 2; Idiopathic Pulmonary Fibrosis. Last evaluated: 2022-05-25. Review status: criteria provided, single submitter. Criteria: Invitae Variant Classification Sherloc (09022015). Collection method: clinical testing. Allele origin: germline.
Comment: This sequence change replaces isoleucine, which is neutral and non-polar, with valine, which is neutral and non-polar, at codon 732 of the TERT protein (p.Ile732Val). This variant is not present in population databases (gnomAD no frequency). This variant has not been reported in the literature in individuals affected with TERT-related conditions. Advanced modeling of protein sequence and biophysical properties (such as structural, functional, and spatial information, amino acid conservation, physicochemical variation, residue mobility, and thermodynamic stability) performed at Invitae indicates that this missense variant is not expected to disrupt TERT protein function. In summary, the available evidence is currently insufficient to determine the role of this variant in disease. Therefore, it has been classified as a Variant of Uncertain Significance.

NM_198253.3(TERT):c.2194A>G (p.Ile732Val)

Gene: TERT (telomerase reverse transcriptase; minus strand). Cytogenetic location: 5p15.33.
Variant type: single nucleotide variant.
Coding change: c.2194A>G on transcript NM_198253.3 (MANE Select); coding-DNA position 2194, A replaced by G.
Protein change: p.Ile732Val; replaces isoleucine 732 with valine.
Molecular consequence: missense variant. On other transcripts: non-coding transcript variant (2).
Genome position (GRCh38, 1-based): chr5:1,278,733, T>C on the plus strand (A>G on the coding strand, the complement: TERT is on the minus strand). VCF-style: chr5-1278733-T-C. GRCh37 (hg19) VCF-style: chr5-1278848-T-C.
Other names: c.2194A>G, p.Ile732Val (NM_001193376.3, NM_003219.1); short protein forms I732V.
Identifiers: ClinVar variation 2153028 (VCV002153028.5), dbSNP rs2478268734, ClinGen allele CA359079472.